The following is an entry in ClinVar:

NM_145292.4(GALNTL5):c.368+9T>C

Gene: GALNTL5 (polypeptide N-acetylgalactosaminyltransferase like 5; plus strand). Cytogenetic location: 7q36.1.
Variant type: single nucleotide variant.
Coding change: c.368+9T>C on transcript NM_145292.4 (MANE Select); 9 bases into the intron after coding-DNA position 368, T replaced by C.
Molecular consequence: intron variant.
Genome position (GRCh38, 1-based): chr7:151,971,074, T>C. VCF-style: chr7-151971074-T-C. GRCh37 (hg19) VCF-style: chr7-151668159-T-C.
Identifiers: ClinVar variation 709241 (VCV000709241.4), dbSNP rs144786536, ClinGen allele CA4577328.

ClinVar aggregate classification (germline): Benign. Review status: criteria provided, single submitter (1 of 4 stars). 2 submissions from 2 submitters: Benign (1). 1 of the submissions does not count toward it. Last evaluated 2018-07-16.

Conditions:
GALNTL5-related disorder. Also called: GALNTL5-related condition.

Allele frequency attached by ClinVar (database versions not stated): gnomAD exomes 0.00031 and 0.00089; ExAC 0.00106; 1000 Genomes Project 30x 0.00297; 1000 Genomes Project 0.00300; gnomAD 0.00327 and 0.00363; TOPMed 0.00384; ESP Exome Variant Server 0.00431.
gnomAD v4.1: 962 of 1,590,010 alleles (0.061%); highest among the groups gnomAD compares: African/African-American, 1.1%; 3 homozygotes.

Submissions (2):

Labcorp Genetics (formerly Invitae), Labcorp
Classification: Benign. Last evaluated: 2018-07-16. Review status: criteria provided, single submitter. Criteria: Invitae Variant Classification Sherloc (09022015). Collection method: clinical testing. Allele origin: germline.

PreventionGenetics, part of Exact Sciences
Classification: Likely benign for GALNTL5-related condition. Last evaluated: 2024-08-30. Review status: no assertion criteria provided. Collection method: clinical testing. Allele origin: germline. Not counted in ClinVar's aggregate classification.
Comment: This variant is classified as likely benign based on ACMG/AMP sequence variant interpretation guidelines (Richards et al. 2015 PMID: 25741868, with internal and published modifications).